The following is an entry in ClinVar:

NM_007118.4(TRIO):c.5546C>T (p.Ser1849Phe)

Gene: TRIO (trio Rho guanine nucleotide exchange factor; plus strand). Cytogenetic location: 5p15.2.
Variant type: single nucleotide variant.
Coding change: c.5546C>T on transcript NM_007118.4 (MANE Select); coding-DNA position 5546, C replaced by T.
Protein change: p.Ser1849Phe; replaces serine 1849 with phenylalanine.
Molecular consequence: missense variant. On other transcripts: non-coding transcript variant (1).
Genome position (GRCh38, 1-based): chr5:14,462,804, C>T. VCF-style: chr5-14462804-C-T. GRCh37 (hg19) VCF-style: chr5-14462913-C-T.
Other names: short protein forms S1849F.
Identifiers: ClinVar variation 3900161 (VCV003900161.1).

ClinVar aggregate classification (germline): Uncertain significance (1 of 4 stars; one submission).

Submission:

GeneDx
Classification: Uncertain significance. Last evaluated: 2024-11-25. Review status: criteria provided, single submitter. Criteria: GeneDx Variant Classification Process June 2021. Collection method: clinical testing. Allele origin: germline. Affected: yes.
Comment: Not observed at significant frequency in large population cohorts (gnomAD); In silico analysis indicates that this missense variant does not alter protein structure/function; Has not been previously published as pathogenic or benign to our knowledge